The following is an entry in ClinVar:

NM_005633.4(SOS1):c.3533G>C (p.Ser1178Thr)

Gene: SOS1 (SOS Ras/Rac guanine nucleotide exchange factor 1; minus strand). Cytogenetic location: 2p22.1.
Variant type: single nucleotide variant.
Coding change: c.3533G>C on transcript NM_005633.4 (MANE Select); coding-DNA position 3533, G replaced by C.
Protein change: p.Ser1178Thr; replaces serine 1178 with threonine.
Molecular consequence: missense variant.
Genome position (GRCh38, 1-based): chr2:38,986,293, C>G on the plus strand (G>C on the coding strand, the complement: SOS1 is on the minus strand). VCF-style: chr2-38986293-C-G. GRCh37 (hg19) VCF-style: chr2-39213434-C-G.
Other names: c.3512G>C, p.Ser1171Thr (NM_001382394.1); c.3488G>C, p.Ser1163Thr (NM_001382395.1); short protein forms S1163T, S1171T, S1178T.
Identifiers: ClinVar variation 1310153 (VCV001310153.2), dbSNP rs1050237569, ClinGen allele CA45674342.

ClinVar aggregate classification (germline): Uncertain significance (1 of 4 stars; one submission).

Allele frequency attached by ClinVar (database versions not stated): TOPMed below 0.00001.
gnomAD v4.1: 1 of 1,612,474 alleles (0.000062%); highest among the groups gnomAD compares: Non-Finnish European, 0.000085%; no homozygotes.

Submission:

GeneDx
Classification: Uncertain significance. Last evaluated: 2019-11-14. Review status: criteria provided, single submitter. Criteria: GeneDx Variant Classification Process June 2021. Collection method: clinical testing. Allele origin: germline. Affected: yes.
Comment: Not observed in large population cohorts (Lek et al., 2016); The majority of missense variants in this gene are considered pathogenic (Stenson et al., 2014); In silico analysis, which includes protein predictors and evolutionary conservation, supports that this variant does not alter protein structure/function; Has not been previously published as pathogenic or benign to our knowledge